The following is an entry in ClinVar:

NM_032444.4(SLX4):c.4468G>A (p.Glu1490Lys)

Gene: SLX4 (SLX4 structure-specific endonuclease subunit; minus strand). Cytogenetic location: 16p13.3.
Variant type: single nucleotide variant.
Coding change: c.4468G>A on transcript NM_032444.4 (MANE Select); coding-DNA position 4468, G replaced by A.
Protein change: p.Glu1490Lys; replaces glutamic acid 1490 with lysine.
Molecular consequence: missense variant.
Genome position (GRCh38, 1-based): chr16:3,589,170, C>T on the plus strand (G>A on the coding strand, the complement: SLX4 is on the minus strand). VCF-style: chr16-3589170-C-T. GRCh37 (hg19) VCF-style: chr16-3639171-C-T.
Other names: short protein forms E1490K.
Identifiers: ClinVar variation 939022 (VCV000939022.9), dbSNP rs1378182049, ClinGen allele CA394517078.

ClinVar aggregate classification (germline): Uncertain significance (1 of 4 stars; one submission).

Conditions:
Fanconi anemia (FA). Also called: Fanconi's anemia. Identifiers: Orphanet 84, MedGen C0015625, MeSH D005199, MONDO:0019391.

Allele frequency attached by ClinVar (database versions not stated): gnomAD exomes below 0.00001.
gnomAD v4.1: 1 of 1,614,170 alleles (0.000062%); highest among the groups gnomAD compares: East Asian, 0.0022%; no homozygotes.

Submission:

Labcorp Genetics (formerly Invitae), Labcorp
Classification: Uncertain significance for Fanconi anemia. Last evaluated: 2024-11-20. Review status: criteria provided, single submitter. Criteria: Invitae Variant Classification Sherloc (09022015). Collection method: clinical testing. Allele origin: germline.
Comment: This sequence change replaces glutamic acid, which is acidic and polar, with lysine, which is basic and polar, at codon 1490 of the SLX4 protein (p.Glu1490Lys). This variant is present in population databases (no rsID available, gnomAD 0.006%). This variant has not been reported in the literature in individuals affected with SLX4-related conditions. ClinVar contains an entry for this variant (Variation ID: 939022). An algorithm developed to predict the effect of missense changes on protein structure and function outputs the following: PolyPhen-2: "Benign". The lysine amino acid residue is found in multiple mammalian species, which suggests that this missense change does not adversely affect protein function. In summary, the available evidence is currently insufficient to determine the role of this variant in disease. Therefore, it has been classified as a Variant of Uncertain Significance.